The following is an entry in ClinVar:

NM_006031.6(PCNT):c.5115+8A>C

Gene: PCNT (pericentrin; plus strand). Cytogenetic location: 21q22.3.
Variant type: single nucleotide variant.
Coding change: c.5115+8A>C on transcript NM_006031.6 (MANE Select); 8 bases into the intron after coding-DNA position 5115, A replaced by C.
Molecular consequence: intron variant.
Genome position (GRCh38, 1-based): chr21:46,402,491, A>C. VCF-style: chr21-46402491-A-C. GRCh37 (hg19) VCF-style: chr21-47822405-A-C.
Other names: c.4761+8A>C (NM_001315529.2).
Identifiers: ClinVar variation 3349112 (VCV003349112.1).

ClinVar aggregate classification (germline): Likely benign (0 of 4 stars; one submission).

Conditions:
PCNT-related disorder. Also called: PCNT-related condition.

gnomAD v4.1: 1 of 1,613,784 alleles (0.000062%); highest among the groups gnomAD compares: African/African-American, 0.0013%; no homozygotes.

Submission:

PreventionGenetics, part of Exact Sciences
Classification: Likely benign for PCNT-related condition. Last evaluated: 2024-04-24. Review status: no assertion criteria provided. Collection method: clinical testing. Allele origin: germline.
Comment: This variant is classified as likely benign based on ACMG/AMP sequence variant interpretation guidelines (Richards et al. 2015 PMID: 25741868, with internal and published modifications).